The following is an entry in ClinVar:

ClinVar aggregate classification (germline): Uncertain significance (1 of 4 stars; one submission).

Conditions:
Fanconi anemia (FA). Also called: Fanconi's anemia. Identifiers: Orphanet 84, MedGen C0015625, MeSH D005199, MONDO:0019391.

Allele frequency attached by ClinVar (database versions not stated): gnomAD exomes below 0.00001 and 0.00001; ExAC 0.00001.
gnomAD v4.1: 10 of 1,614,266 alleles (0.00062%); highest among the groups gnomAD compares: Non-Finnish European, 0.00085%; no homozygotes.

Submission:

Labcorp Genetics (formerly Invitae), Labcorp
Classification: Uncertain significance for Fanconi anemia. Last evaluated: 2018-04-28. Review status: criteria provided, single submitter. Criteria: Invitae Variant Classification Sherloc (09022015). Collection method: clinical testing. Allele origin: germline.
Comment: In summary, the available evidence is currently insufficient to determine the role of this variant in disease. Therefore, it has been classified as a Variant of Uncertain Significance. Algorithms developed to predict the effect of sequence changes on RNA splicing suggest that this variant may create or strengthen a splice site, but this prediction has not been confirmed by published transcriptional studies. Algorithms developed to predict the effect of missense changes on protein structure and function do not agree on the potential impact of this missense change (SIFT: "Deleterious"; PolyPhen-2: "Benign"; Align-GVGD: "Class C0"). This variant has not been reported in the literature in individuals with FANCD2-related disease. The frequency data for this variant in the population databases is considered unreliable, as metrics indicate poor data quality at this position in the ExAC database. This sequence change replaces leucine with valine at codon 403 of the FANCD2 protein (p.Leu403Val). The leucine residue is highly conserved and there is a small physicochemical difference between leucine and valine.

NM_001018115.3(FANCD2):c.1207C>G (p.Leu403Val)

Genes: FANCD2 (FA complementation group D2; plus strand), LOC107303338 (3p25 FANCD2 Alu-mediated recombination region; plus strand). Cytogenetic location: 3p25.3.
Variant type: single nucleotide variant.
Coding change: c.1207C>G on transcript NM_001018115.3 (MANE Select); coding-DNA position 1207, C replaced by G.
Protein change: p.Leu403Val; replaces leucine 403 with valine.
Molecular consequence: missense variant.
Genome position (GRCh38, 1-based): chr3:10,046,652, C>G. VCF-style: chr3-10046652-C-G. GRCh37 (hg19) VCF-style: chr3-10088336-C-G.
Other names: c.1207C>G, p.Leu403Val (NM_001319984.2, NM_001374253.1, NM_001374254.1 and 1 more transcripts); short protein forms L403V.
Identifiers: ClinVar variation 571970 (VCV000571970.8), dbSNP rs753223864, ClinGen allele CA2249548.